The following is an entry in ClinVar:

ClinVar aggregate classification (germline): Uncertain significance (1 of 4 stars; one submission).

Conditions:
Hereditary cancer-predisposing syndrome. Also called: Tumor predisposition; Neoplastic Syndromes, Hereditary; Hereditary neoplastic syndrome; Hereditary Cancer Syndrome. Identifiers: Orphanet 140162, MedGen C0027672, MeSH D009386, MONDO:0015356.

Submission:

Ambry Genetics
Classification: Uncertain significance for Hereditary cancer-predisposing syndrome. Last evaluated: 2025-07-03. Review status: criteria provided, single submitter. Criteria: Ambry Variant Classification Scheme 2023. Collection method: clinical testing. Allele origin: germline.
Comment: The p.E355G variant (also known as c.1064A>G), located in coding exon 1 of the MET gene, results from an A to G substitution at nucleotide position 1064. The glutamic acid at codon 355 is replaced by glycine, an amino acid with similar properties. This amino acid position is conserved. In addition, the in silico prediction for this alteration is inconclusive. Based on the available evidence, the clinical significance of this variant remains unclear.

NM_000245.4(MET):c.1064A>G (p.Glu355Gly)

Gene: MET (MET proto-oncogene, receptor tyrosine kinase; plus strand). Cytogenetic location: 7q31.2.
Variant type: single nucleotide variant.
Coding change: c.1064A>G on transcript NM_000245.4 (MANE Select); coding-DNA position 1064, A replaced by G.
Protein change: p.Glu355Gly; replaces glutamic acid 355 with glycine.
Molecular consequence: missense variant. On other transcripts: intron variant (1).
Genome position (GRCh38, 1-based): chr7:116,700,148, A>G. VCF-style: chr7-116700148-A-G. GRCh37 (hg19) VCF-style: chr7-116340202-A-G.
Other names: c.1064A>G, p.Glu355Gly (NM_001127500.3, NM_001324401.3); c.-91+27571A>G (NM_001324402.2); short protein forms E355G.
Identifiers: ClinVar variation 4106754 (VCV004106754.1).
Genomic context (GRCh38, chr7:116,700,148, plus strand): 5'-CCAGCCTGAATGATGACATTCTTTTCGGGGTGTTCGCACAAAGCAAGCCAGATTCTGCCG[A>G]ACCAATGGATCGATCTGCCATGTGTGCATTCCCTATCAAATATGTCAACGACTTCTTCAA-3'
Protein context (NP_000236.2, residues 345-365): VFAQSKPDSA[Glu355Gly]PMDRSAMCAF